The following is an entry in ClinVar:

NM_006031.6(PCNT):c.1279C>T (p.His427Tyr)

Gene: PCNT (pericentrin; plus strand). Cytogenetic location: 21q22.3.
Variant type: single nucleotide variant.
Coding change: c.1279C>T on transcript NM_006031.6 (MANE Select); coding-DNA position 1279, C replaced by T.
Protein change: p.His427Tyr; replaces histidine 427 with tyrosine.
Molecular consequence: missense variant.
Genome position (GRCh38, 1-based): chr21:46,349,755, C>T. VCF-style: chr21-46349755-C-T. GRCh37 (hg19) VCF-style: chr21-47769669-C-T.
Other names: c.925C>T, p.His309Tyr (NM_001315529.2); short protein forms H427Y, H309Y.
Identifiers: ClinVar variation 4995003 (VCV004995003.1).

ClinVar aggregate classification (germline): Uncertain significance (1 of 4 stars; one submission).

Conditions:
PCNT-related disorder. Also called: PCNT-related condition.

Submission:

PreventionGenetics, part of Exact Sciences
Classification: Uncertain significance for PCNT-related condition. Last evaluated: 2025-12-11. Review status: criteria provided, single submitter. Criteria: ACMG Guidelines, 2015. Collection method: clinical testing. Allele origin: germline.
Comment: The PCNT c.1279C>T variant is predicted to result in the amino acid substitution p.His427Tyr. To our knowledge, this variant has not been reported in the literature or in a large population database (gnomAD), indicating this variant is rare. At this time, the clinical significance of this variant is uncertain due to the absence of conclusive functional and genetic evidence.